The following is an entry in ClinVar:

ClinVar aggregate classification (germline): Uncertain significance (1 of 4 stars; one submission).

Conditions:
Brugada syndrome 4 (BRGDA4). Identifiers: Orphanet 130, MedGen C2678477, MONDO:0012743, OMIM 611876.

gnomAD v4.1: 1 of 1,612,994 alleles (0.000062%); highest among the groups gnomAD compares: Non-Finnish European, 0.000085%; no homozygotes.

Submission:

Labcorp Genetics (formerly Invitae), Labcorp
Classification: Uncertain significance for Brugada syndrome 4. Last evaluated: 2024-08-26. Review status: criteria provided, single submitter. Criteria: Invitae Variant Classification Sherloc (09022015). Collection method: clinical testing. Allele origin: germline.
Comment: This sequence change replaces arginine, which is basic and polar, with proline, which is neutral and non-polar, at codon 592 of the CACNB2 protein (p.Arg592Pro). This variant is present in population databases (no rsID available, gnomAD 0.0009%). This variant has not been reported in the literature in individuals affected with CACNB2-related conditions. An algorithm developed to predict the effect of missense changes on protein structure and function (PolyPhen-2) suggests that this variant is likely to be disruptive. In summary, the available evidence is currently insufficient to determine the role of this variant in disease. Therefore, it has been classified as a Variant of Uncertain Significance.

NM_201596.3(CACNB2):c.1937G>C (p.Arg646Pro)

Gene: CACNB2 (calcium voltage-gated channel auxiliary subunit beta 2; plus strand). Cytogenetic location: 10p12.31.
Variant type: single nucleotide variant.
Coding change: c.1937G>C on transcript NM_201596.3 (MANE Select); coding-DNA position 1937, G replaced by C.
Protein change: p.Arg646Pro; replaces arginine 646 with proline.
Molecular consequence: missense variant.
Genome position (GRCh38, 1-based): chr10:18,539,678, G>C. VCF-style: chr10-18539678-G-C. GRCh37 (hg19) VCF-style: chr10-18828607-G-C.
Other names: c.1772G>C, p.Arg591Pro (NM_000724.4); c.1739G>C, p.Arg580Pro (NM_001167945.2); c.1658G>C, p.Arg553Pro (NM_001330060.2); c.1679G>C, p.Arg560Pro (NM_001410882.1); c.1793G>C, p.Arg598Pro (NM_201570.3); c.1853G>C, p.Arg618Pro (NM_201571.4); c.1781G>C, p.Arg594Pro (NM_201572.4); c.1775G>C, p.Arg592Pro (NM_201590.3); and 2 more; short protein forms R618P, R560P, R580P, R591P, R594P, R608P, R646P, R553P.
Identifiers: ClinVar variation 3691716 (VCV003691716.2).